The following is an entry in ClinVar:

ClinVar aggregate classification (germline): Uncertain significance (1 of 4 stars; one submission).

Submission:

GeneDx
Classification: Uncertain significance. Last evaluated: 2024-12-18. Review status: criteria provided, single submitter. Criteria: GeneDx Variant Classification Process June 2021. Collection method: clinical testing. Allele origin: germline.
Comment: Not observed at significant frequency in large population cohorts (gnomAD); In silico analysis indicates that this missense variant does not alter protein structure/function; Has not been previously published as pathogenic or benign to our knowledge

NM_001220.5(CAMK2B):c.1615A>G (p.Ile539Val)

Gene: CAMK2B (calcium/calmodulin dependent protein kinase II beta; minus strand). Cytogenetic location: 7p13.
Variant type: single nucleotide variant.
Coding change: c.1615A>G on transcript NM_001220.5 (MANE Select); coding-DNA position 1615, A replaced by G.
Protein change: p.Ile539Val; replaces isoleucine 539 with valine.
Molecular consequence: missense variant.
Genome position (GRCh38, 1-based): chr7:44,220,884, T>C on the plus strand (A>G on the coding strand, the complement: CAMK2B is on the minus strand). VCF-style: chr7-44220884-T-C. GRCh37 (hg19) VCF-style: chr7-44260483-T-C.
Other names: c.1243A>G, p.Ile415Val (NM_001293170.2, NM_172078.3); c.1171A>G, p.Ile391Val (NM_172079.3, NM_172082.3); c.1168A>G, p.Ile390Val (NM_172080.3); c.1126A>G, p.Ile376Val (NM_172081.3); c.1054A>G, p.Ile352Val (NM_172083.3); c.964A>G, p.Ile322Val (NM_172084.3); short protein forms I322V, I352V, I376V, I390V, I391V, I415V, I539V.
Identifiers: ClinVar variation 3384414 (VCV003384414.2).